The following is an entry in ClinVar:

NM_000368.5(TSC1):c.785del (p.Ile262fs)

Gene: TSC1 (TSC complex subunit 1; minus strand). Cytogenetic location: 9q34.13.
Variant type: Deletion.
Coding change: c.785del on transcript NM_000368.5 (MANE Select); coding-DNA position 785, one base deleted (T; older notation c.785delT).
Protein change: p.Ile262fs; shifts the reading frame from isoleucine 262.
Molecular consequence: frameshift variant. On other transcripts: 5 prime UTR variant (5), non-coding transcript variant (5).
Genome position (GRCh38, 1-based): chr9:132,912,410, A deleted on the plus strand (T on the coding strand, the reverse complement: TSC1 is on the minus strand). VCF-style (leftmost placement, unchanged base first): chr9-132912409-GA-G. GRCh37 (hg19) VCF-style: chr9-135787796-GA-G.
Other names: c.785del, p.Ile262fs (NM_001406595.1, NM_001406596.1, NM_001406597.1 and 16 more transcripts); c.632del, p.Ile211fs (NM_001162427.2, NM_001406610.1, NM_001406611.1 and 2 more transcripts); c.422del, p.Ile141fs (NM_001362177.2, NM_001406614.1, NM_001406615.1 and 10 more transcripts); c.-167del (NM_001406626.1, NM_001406627.1, NM_001406628.1); c.-309del (NM_001406629.1, NM_001406630.1); short protein forms I141fs, I211fs, I262fs.
Identifiers: ClinVar variation 4682109 (VCV004682109.1).
Genomic context (GRCh38, chr9:132,912,409, plus strand): 5'-TGAGATTTGGTGAGACACAGAATAGCCATCTTCATATGAGGCTTCTGTGGGATCCAGAGA[GA>G]TTTTGGCACACTCGATCACAACATCATGAGTTTCTAATCTCTTCCACCTGTAAAATGCAA-3'

ClinVar aggregate classification (germline): Pathogenic (1 of 4 stars; one submission).

Conditions:
Tuberous sclerosis syndrome (TSC). Also called: Tuberous Sclerosis Complex; Tuberous sclerosis. Identifiers: Orphanet 805, MedGen C0041341, MONDO:0001734.

Submission:

Cambridge Genomics Laboratory, East Genomic Laboratory Hub, NHS Genomic Medicine Service
Classification: Pathogenic for Tuberous sclerosis. Last evaluated: 2024-10-23. Review status: criteria provided, single submitter. Criteria: ACGS Best Practice Guidelines for Variant Classification in Rare Disease 2020. Collection method: clinical testing. Allele origin: germline. Affected: yes.
Comment: PVS1,PM2